The following is an entry in ClinVar:

NM_000057.4(BLM):c.739C>T (p.His247Tyr)

Gene: BLM (BLM RecQ like helicase; plus strand). Cytogenetic location: 15q26.1.
Variant type: single nucleotide variant.
Coding change: c.739C>T on transcript NM_000057.4 (MANE Select); coding-DNA position 739, C replaced by T.
Protein change: p.His247Tyr; replaces histidine 247 with tyrosine.
Molecular consequence: missense variant. On other transcripts: 5 prime UTR variant (1).
Genome position (GRCh38, 1-based): chr15:90,750,007, C>T. VCF-style: chr15-90750007-C-T. GRCh37 (hg19) VCF-style: chr15-91293237-C-T.
Other names: c.739C>T, p.His247Tyr (NM_001287246.2, NM_001287247.2); c.-553C>T (NM_001287248.2); short protein forms H247Y.
Identifiers: ClinVar variation 2130863 (VCV002130863.5), dbSNP rs2505394761, ClinGen allele CA393841451.

ClinVar aggregate classification (germline): Uncertain significance. Review status: criteria provided, multiple submitters, no conflicts (2 of 4 stars). 2 submissions from 2 submitters: Uncertain significance (2). Last evaluated 2026-01-12.

Conditions:
Hereditary cancer-predisposing syndrome. Also called: Hereditary neoplastic syndrome; Neoplastic Syndromes, Hereditary; Tumor predisposition; Hereditary Cancer Syndrome. Identifiers: Orphanet 140162, MedGen C0027672, MeSH D009386, MONDO:0015356.
Bloom syndrome (BLM). Also called: Bloom-Torre-Machacek syndrome. Identifiers: Orphanet 125, MedGen C0005859, MONDO:0008876, OMIM 210900.

Submissions (2):

Ambry Genetics
Classification: Uncertain significance for Hereditary cancer-predisposing syndrome. Last evaluated: 2026-01-12. Review status: criteria provided, single submitter. Criteria: Ambry Variant Classification Scheme 2023. Collection method: clinical testing. Allele origin: germline.
Comment: The p.H247Y variant (also known as c.739C>T), located in coding exon 2 of the BLM gene, results from a C to T substitution at nucleotide position 739. The histidine at codon 247 is replaced by tyrosine, an amino acid with similar properties. This amino acid position is conserved. In addition, this alteration is predicted to be tolerated by in silico analysis. Based on the available evidence, the clinical significance of this variant remains unclear.

Labcorp Genetics (formerly Invitae), Labcorp
Classification: Uncertain significance for Bloom syndrome. Last evaluated: 2023-04-12. Review status: criteria provided, single submitter. Criteria: Invitae Variant Classification Sherloc (09022015). Collection method: clinical testing. Allele origin: germline.
Comment: ClinVar contains an entry for this variant (Variation ID: 2130863). An algorithm developed to predict the effect of missense changes on protein structure and function (PolyPhen-2) suggests that this variant is likely to be tolerated. In summary, the available evidence is currently insufficient to determine the role of this variant in disease. Therefore, it has been classified as a Variant of Uncertain Significance. This sequence change replaces histidine, which is basic and polar, with tyrosine, which is neutral and polar, at codon 247 of the BLM protein (p.His247Tyr). This variant is not present in population databases (gnomAD no frequency). This variant has not been reported in the literature in individuals affected with BLM-related conditions.